The following is an entry in ClinVar:

NM_001382241.1(TNPO2):c.1484A>T (p.Glu495Val)

Gene: TNPO2 (transportin 2; minus strand). Cytogenetic location: 19p13.13.
Variant type: single nucleotide variant.
Coding change: c.1484A>T on transcript NM_001382241.1 (MANE Select); coding-DNA position 1484, A replaced by T.
Protein change: p.Glu495Val; replaces glutamic acid 495 with valine.
Molecular consequence: missense variant. On other transcripts: non-coding transcript variant (6).
Genome position (GRCh38, 1-based): chr19:12,706,582, T>A on the plus strand (A>T on the coding strand, the complement: TNPO2 is on the minus strand). VCF-style: chr19-12706582-T-A. GRCh37 (hg19) VCF-style: chr19-12817396-T-A.
Other names: c.1484A>T, p.Glu495Val (NM_001136195.2, NM_001136196.2, NM_001382236.1 and 7 more transcripts); short protein forms E495V.
Identifiers: ClinVar variation 3370222 (VCV003370222.2).
Genomic context (GRCh38, chr19:12,706,582, plus strand): 5'-GGTGGCCGGGGGAGAGTGGGGGCTGTGGGATCAGGGGTCCAGGGTCACCTGCAGGCCGCC[T>A]CCTGTACCCTCTTGTTGCCATCCAGGATGCGTTTGAGCAGCTCTGTCATCAGGGGCTTGA-3'
Protein context (NP_001369170.1, residues 485-505): RILDGNKRVQ[Glu495Val]AACSAFATLE

ClinVar aggregate classification (germline): Likely pathogenic (1 of 4 stars; one submission).

Submission:

GeneDx
Classification: Likely pathogenic. Last evaluated: 2024-11-04. Review status: criteria provided, single submitter. Criteria: GeneDx Variant Classification Process June 2021. Collection method: clinical testing. Allele origin: germline.
Comment: Not observed at significant frequency in large population cohorts (gnomAD); In silico analysis supports that this missense variant has a deleterious effect on protein structure/function; Has not been previously published as pathogenic or benign to our knowledge